The following is an entry in ClinVar:

NM_001382391.1(CSPP1):c.1497-3C>T

Gene: CSPP1 (centrosome and spindle pole associated protein 1; plus strand). Cytogenetic location: 8q13.2.
Variant type: single nucleotide variant.
Coding change: c.1497-3C>T on transcript NM_001382391.1 (MANE Select); 3 bases into the intron before coding-DNA position 1497, C replaced by T.
Molecular consequence: intron variant.
Genome position (GRCh38, 1-based): chr8:67,118,245, C>T. VCF-style: chr8-67118245-C-T. GRCh37 (hg19) VCF-style: chr8-68030480-C-T.
Other names: c.1455-3C>T (NM_001363132.2); c.1416-3C>T (NM_001363131.2); c.1374-3C>T (NM_001363133.2); c.1563-3C>T (NM_001364869.1); c.1482-3C>T (NM_024790.7, NM_001438331.1, NM_001438330.1); c.1383-3C>T (NM_001364870.1); c.951-3C>T (NM_001438332.1); c.600-3C>T (NM_001291339.2).
Identifiers: ClinVar variation 843624 (VCV000843624.9), dbSNP rs184342035, ClinGen allele CA4770562.
Genomic context (GRCh38, chr8:67,118,245, plus strand): 5'-CTTGATTTTTTAAAAAATTGCAATGAAATATGAGAGGAATTTTTCATCTTTCTTTTCATA[C>T]AGGATTGCACCTCTGCCTCCACCTCCCCTACTACCACCTTTGGCTACTAACTATCGAACT-3'

ClinVar aggregate classification (germline): Conflicting classifications of pathogenicity. Review status: criteria provided, conflicting classifications (1 of 4 stars). 3 submissions from 3 submitters: Uncertain significance (2); Likely benign (1). Last evaluated 2026-05-04.

Conditions:
Joubert syndrome 21 (JBTS21). Identifiers: MedGen C3810212, MONDO:0014288, OMIM 615636.

Allele frequency attached by ClinVar (database versions not stated): gnomAD exomes 0.00014; 1000 Genomes Project 30x 0.00016; ExAC 0.00018; 1000 Genomes Project 0.00020; gnomAD 0.00022 and 0.00026; TOPMed 0.00029; ESP Exome Variant Server 0.00033.
gnomAD v4.1: 218 of 1,612,052 alleles (0.014%); highest among the groups gnomAD compares: African/African-American, 0.059%; no homozygotes.

Submissions (3):

Women's Health and Genetics/Laboratory Corporation of America, LabCorp
Classification: Uncertain significance. Last evaluated: 2026-05-04. Review status: criteria provided, single submitter. Criteria: LabCorp Variant Classification Summary - May 2015. Collection method: clinical testing. Allele origin: germline.
Comment: Variant summary: CSPP1 c.1482-3C>T alters a conserved nucleotide located close to a canonical splice site and therefore could affect mRNA splicing, leading to a significantly altered protein sequence. Consensus agreement among computation tools predict no significant impact on normal splicing. However, these predictions have yet to be confirmed by functional studies. The variant allele was found at a frequency of 0.00014 in 248196 control chromosomes. This frequency is not significantly higher than estimated for disease-causing variants in CSPP1, allowing no conclusion about variant significance. To our knowledge, no occurrence of c.1482-3C>T in individuals affected with CSPP1-related conditions and no experimental evidence demonstrating its impact on protein function have been reported. ClinVar contains an entry for this variant (Variation ID: 843624). Based on the evidence outlined above, the variant was classified as uncertain significance.

Labcorp Genetics (formerly Invitae), Labcorp
Classification: Uncertain significance for Joubert syndrome 21. Last evaluated: 2025-01-06. Review status: criteria provided, single submitter. Criteria: Invitae Variant Classification Sherloc (09022015). Collection method: clinical testing. Allele origin: germline.
Comment: This sequence change falls in intron 11 of the CSPP1 gene. It does not directly change the encoded amino acid sequence of the CSPP1 protein. It affects a nucleotide within the consensus splice site. This variant is present in population databases (rs184342035, gnomAD 0.05%). This variant has not been reported in the literature in individuals affected with CSPP1-related conditions. ClinVar contains an entry for this variant (Variation ID: 843624). Variants that disrupt the consensus splice site are a relatively common cause of aberrant splicing (PMID: 17576681, 9536098). Algorithms developed to predict the effect of sequence changes on RNA splicing suggest that this variant is not likely to affect RNA splicing. In summary, the available evidence is currently insufficient to determine the role of this variant in disease. Therefore, it has been classified as a Variant of Uncertain Significance.

Blueprint Genetics
Classification: Likely benign. Last evaluated: 2024-07-14. Review status: criteria provided, single submitter. Criteria: ACMG Guidelines, 2015. Collection method: clinical testing. Allele origin: germline.

Literature cited by the submitters: PubMed 17576681 (cited by Labcorp Genetics (formerly Invitae), Labcorp); PubMed 9536098 (cited by Labcorp Genetics (formerly Invitae), Labcorp).